The following is an entry in ClinVar:

NM_000264.5(PTCH1):c.950T>G (p.Leu317Arg)

Gene: PTCH1 (patched 1; minus strand). Cytogenetic location: 9q22.32.
Variant type: single nucleotide variant.
Coding change: c.950T>G on transcript NM_000264.5 (MANE Select); coding-DNA position 950, T replaced by G.
Protein change: p.Leu317Arg; replaces leucine 317 with arginine.
Molecular consequence: missense variant. On other transcripts: non-coding transcript variant (1).
Genome position (GRCh38, 1-based): chr9:95,480,086, A>C on the plus strand (T>G on the coding strand, the complement: PTCH1 is on the minus strand). VCF-style: chr9-95480086-A-C. GRCh37 (hg19) VCF-style: chr9-98242368-A-C.
Other names: c.752T>G, p.Leu251Arg (NM_001083602.3); c.947T>G, p.Leu316Arg (NM_001083603.3); c.497T>G, p.Leu166Arg (NM_001083604.3, NM_001083605.3, NM_001083606.3 and 1 more transcripts); c.950T>G, p.Leu317Arg (NM_001354918.2); short protein forms L166R, L251R, L316R, L317R.
Identifiers: ClinVar variation 4862682 (VCV004862682.1).

ClinVar aggregate classification (germline): Uncertain significance (1 of 4 stars; one submission).

Conditions:
Hereditary cancer-predisposing syndrome. Also called: Neoplastic Syndromes, Hereditary; Tumor predisposition; Hereditary Cancer Syndrome; Hereditary neoplastic syndrome. Identifiers: Orphanet 140162, MedGen C0027672, MeSH D009386, MONDO:0015356.

Submission:

Ambry Genetics
Classification: Uncertain significance for Hereditary cancer-predisposing syndrome. Last evaluated: 2026-04-22. Review status: criteria provided, single submitter. Criteria: Ambry Variant Classification Scheme 2023. Collection method: clinical testing. Allele origin: germline.
Comment: The p.L317R variant (also known as c.950T>G), located in coding exon 7 of the PTCH1 gene, results from a T to G substitution at nucleotide position 950. The leucine at codon 317 is replaced by arginine, an amino acid with dissimilar properties. This amino acid position is conserved. In addition, the in silico prediction for this alteration is inconclusive. Based on the available evidence, the clinical significance of this variant remains unclear.